The following is an entry in ClinVar:

ClinVar aggregate classification (germline): Uncertain significance (1 of 4 stars; one submission).

gnomAD v4.1: 1 of 1,595,488 alleles (0.000063%); no homozygotes.

Submission:

GeneDx
Classification: Uncertain significance. Last evaluated: 2025-07-23. Review status: criteria provided, single submitter. Criteria: GeneDx Variant Classification Process June 2021. Collection method: clinical testing. Allele origin: germline. Affected: yes.
Comment: Not observed at significant frequency in large population cohorts (gnomAD); In silico analysis suggests that this missense variant does not alter protein structure/function; Has not been previously published as pathogenic or benign to our knowledge

NM_001127222.2(CACNA1A):c.2599C>G (p.Arg867Gly)

Gene: CACNA1A (calcium voltage-gated channel subunit alpha1 A; minus strand). Cytogenetic location: 19p13.13.
Variant type: single nucleotide variant.
Coding change: c.2599C>G on transcript NM_001127222.2 (MANE Select); coding-DNA position 2599, C replaced by G.
Protein change: p.Arg867Gly; replaces arginine 867 with glycine.
Molecular consequence: missense variant.
Genome position (GRCh38, 1-based): chr19:13,299,034, G>C on the plus strand (C>G on the coding strand, the complement: CACNA1A is on the minus strand). VCF-style: chr19-13299034-G-C. GRCh37 (hg19) VCF-style: chr19-13409848-G-C.
Other names: c.2611C>G, p.Arg871Gly (NM_000068.4, NM_023035.3); c.2602C>G, p.Arg868Gly (NM_001127221.2, NM_001174080.2); short protein forms R867G, R868G, R871G.
Identifiers: ClinVar variation 4686760 (VCV004686760.1).